The following is an entry in ClinVar:

NM_000404.4(GLB1):c.1772A>G (p.Tyr591Cys)

Gene: GLB1 (galactosidase beta 1; minus strand). Cytogenetic location: 3p22.3.
Variant type: single nucleotide variant.
Coding change: c.1772A>G on transcript NM_000404.4 (MANE Select); coding-DNA position 1772, A replaced by G.
Protein change: p.Tyr591Cys; replaces tyrosine 591 with cysteine.
Molecular consequence: missense variant. On other transcripts: intron variant (1).
Genome position (GRCh38, 1-based): chr3:32,997,307, T>C on the plus strand (A>G on the coding strand, the complement: GLB1 is on the minus strand). VCF-style: chr3-32997307-T-C. GRCh37 (hg19) VCF-style: chr3-33038799-T-C.
Other names: c.1682A>G, p.Tyr561Cys (NM_001079811.3); c.1379A>G, p.Tyr460Cys (NM_001135602.3); c.1916A>G, p.Tyr639Cys (NM_001317040.2); c.1734+16749A>G (NM_001393580.1); short protein forms Y591C, Y460C, Y561C, Y639C.
Identifiers: ClinVar variation 948 (VCV000000948.7), dbSNP rs72555371, ClinGen allele CA114671.

ClinVar aggregate classification (germline): Pathogenic/Likely pathogenic. Review status: criteria provided, multiple submitters, no conflicts (2 of 4 stars). 4 submissions from 4 submitters: Pathogenic (1); Likely pathogenic (1). 2 of the submissions do not count toward it. Last evaluated 2023-10-13.

Conditions:
Mucopolysaccharidosis, MPS-IV-B (MPS4B). Also called: MPS IVB; Mucopolysaccharidosis type IV B; Mucopolysaccharidosis Type IVB (Morquio B Disease); MORQUIO SYNDROME B; Mucopolysaccharidosis Type IVB; Mucopolysaccharidosis type 4B. Identifiers: Orphanet 309310, Orphanet 582, MedGen C0086652, MONDO:0009660, OMIM 253010.
GM1 gangliosidosis type 2. Also called: GANGLIOSIDOSIS, GENERALIZED GM1, JUVENILE TYPE; GANGLIOSIDOSIS, GENERALIZED GM1, TYPE II; Gangliosidosis, Generalized GM1, Type 2; Juvenile GM>1< gangliosidosis; GM1-GANGLIOSIDOSIS, TYPE II. Identifiers: Orphanet 354, Orphanet 79256, MedGen C0268272, MONDO:0009261, OMIM 230600.
Infantile GM1 gangliosidosis. Also called: GM1-gangliosidosis, type I; Gangliosidosis, generalized GM1, infantile form; GLB1 deficiency; Gangliosidosis, Generalized GM1, Type 1; GM1 gangliosidosis type 1. Identifiers: Orphanet 354, Orphanet 79255, MedGen C0268271, MONDO:0009260, OMIM 230500.
GM1 gangliosidosis type 3. Also called: GANGLIOSIDOSIS, GENERALIZED GM1, ADULT TYPE; GANGLIOSIDOSIS, GENERALIZED GM1, CHRONIC TYPE; GANGLIOSIDOSIS, GENERALIZED GM1, TYPE III; Gangliosidosis, Generalized GM1, Type 3; GM1-GANGLIOSIDOSIS, TYPE III; Beta-galactosidase deficiency. Identifiers: Orphanet 79257, MedGen C0268273, MONDO:0009262, OMIM 230650.
GM1 gangliosidosis. Identifiers: Orphanet 354, MedGen C0085131, MONDO:0018149.
GM1-gangliosidosis, type I, with cardiac involvement. Also called: GANGLIOSIDOSIS, GENERALIZED GM1, TYPE I, WITH CARDIAC INVOLVEMENT. Identifiers: MedGen C1968748.

Allele frequency attached by ClinVar (database versions not stated): gnomAD exomes 0.00001; ExAC 0.00002.
gnomAD v4.1: 3 of 1,613,882 alleles (0.00019%); highest among the groups gnomAD compares: Non-Finnish European, 0.00025%; no homozygotes.

Submissions (4):

Labcorp Genetics (formerly Invitae), Labcorp
Classification: Pathogenic for Mucopolysaccharidosis, MPS-IV-B; GM1 gangliosidosis. Last evaluated: 2023-10-13. Review status: criteria provided, single submitter. Criteria: Invitae Variant Classification Sherloc (09022015). Collection method: clinical testing. Allele origin: germline.
Comment: This sequence change replaces tyrosine, which is neutral and polar, with cysteine, which is neutral and slightly polar, at codon 591 of the GLB1 protein (p.Tyr591Cys). This variant is present in population databases (rs72555371, gnomAD 0.003%). This missense change has been observed in individual(s) with GM1-gangliosidosis (PMID: 10737981). ClinVar contains an entry for this variant (Variation ID: 948). Advanced modeling of protein sequence and biophysical properties (such as structural, functional, and spatial information, amino acid conservation, physicochemical variation, residue mobility, and thermodynamic stability) performed at Invitae indicates that this missense variant is expected to disrupt GLB1 protein function. This variant disrupts the p.Tyr591 amino acid residue in GLB1. Other variant(s) that disrupt this residue have been determined to be pathogenic (PMID: 10737981). This suggests that this residue is clinically significant, and that variants that disrupt this residue are likely to be disease-causing. For these reasons, this variant has been classified as Pathogenic.

3billion
Classification: Likely pathogenic for GM1 gangliosidosis type 2. Last evaluated: 2023-06-15. Review status: criteria provided, single submitter. Criteria: ACMG Guidelines, 2015. Collection method: clinical testing. Allele origin: germline. Affected: yes.
Comment: The variant is observed at an extremely low frequency in the gnomAD v2.1.1 dataset (total allele frequency: 0.001%). Predicted Consequence/Location: Missense variant In silico tool predictions suggest damaging effect of the variant on gene or gene product (REVEL: 0.93; 3Cnet: 0.92). Same nucleotide change resulting in same amino acid change has been previously reported to be associated with GLB1 related disorder (ClinVar ID: VCV000000948 /PMID: 10737981).Different missense changes at the same codon (p.Tyr591Asn, p.Tyr591His, p.Tyr591Ser) have been reported as pathogenic/likely pathogenic with strong evidence (ClinVar ID: VCV000000947, VCV001472090, VCV002151971 /PMID: 10737981). Therefore, this variant is classified as Likely pathogenic according to the recommendation of ACMG/AMP guideline.

Counsyl
Classification: Uncertain significance for Infantile GM1 gangliosidosis; GM1 gangliosidosis type 2; GM1 gangliosidosis type 3; Mucopolysaccharidosis, MPS-IV-B. Last evaluated: 2018-03-07. Review status: no assertion criteria provided. Collection method: clinical testing. Allele origin: unknown. Not counted in ClinVar's aggregate classification.

OMIM
Classification: Pathogenic for GM1-GANGLIOSIDOSIS, TYPE I, WITH CARDIAC INVOLVEMENT. Last evaluated: 2000-01-01. Review status: no assertion criteria provided. Collection method: literature only. Allele origin: germline. Not counted in ClinVar's aggregate classification.

Literature cited by the submitters: PubMed 10737981 (cited by 4 submitters); PubMed 15714521 (cited by Counsyl); PubMed 23337983 (cited by Counsyl); PubMed 21520340 (cited by Counsyl).